The following is an entry in ClinVar:

NM_003283.6(TNNT1):c.11C>T (p.Thr4Ile)

Gene: TNNT1 (troponin T1, slow skeletal type; minus strand). Cytogenetic location: 19q13.42.
Variant type: single nucleotide variant.
Coding change: c.11C>T on transcript NM_003283.6 (MANE Select); coding-DNA position 11, C replaced by T.
Protein change: p.Thr4Ile; replaces threonine 4 with isoleucine.
Molecular consequence: missense variant.
Genome position (GRCh38, 1-based): chr19:55,147,147, G>A on the plus strand (C>T on the coding strand, the complement: TNNT1 is on the minus strand). VCF-style: chr19-55147147-G-A. GRCh37 (hg19) VCF-style: chr19-55658515-G-A.
Other names: c.11C>T, p.Thr4Ile (NM_001126132.3, NM_001126133.3, NM_001291774.2); short protein forms T4I.
Identifiers: ClinVar variation 573652 (VCV000573652.9), dbSNP rs1568849957, ClinGen allele CA407438719.

ClinVar aggregate classification (germline): Uncertain significance (1 of 4 stars; one submission).

Conditions:
Nemaline myopathy 5 (NEM5A). Also called: NEMALINE MYOPATHY, AMISH TYPE; Nemaline myopathy 5, Amish type; NEMALINE MYOPATHY 5A, AUTOSOMAL RECESSIVE, SEVERE INFANTILE. Identifiers: Orphanet 98902, MedGen C1854380, MONDO:0011539, OMIM 605355.

Submission:

Labcorp Genetics (formerly Invitae), Labcorp
Classification: Uncertain significance for Nemaline myopathy 5. Last evaluated: 2018-04-12. Review status: criteria provided, single submitter. Criteria: Invitae Variant Classification Sherloc (09022015). Collection method: clinical testing. Allele origin: germline.
Comment: This variant has not been reported in the literature in individuals with TNNT1-related disease. In summary, the available evidence is currently insufficient to determine the role of this variant in disease. Therefore, it has been classified as a Variant of Uncertain Significance. This variant is not present in population databases (ExAC no frequency). This sequence change replaces threonine with isoleucine at codon 4 of the TNNT1 protein (p.Thr4Ile). The threonine residue is weakly conserved and there is a moderate physicochemical difference between threonine and isoleucine.